The following is an entry in ClinVar:

NM_006361.6(HOXB13):c.284G>C (p.Ser95Thr)

Gene: HOXB13 (homeobox B13; minus strand). Cytogenetic location: 17q21.32.
Variant type: single nucleotide variant.
Coding change: c.284G>C on transcript NM_006361.6 (MANE Select); coding-DNA position 284, G replaced by C.
Protein change: p.Ser95Thr; replaces serine 95 with threonine.
Molecular consequence: missense variant.
Genome position (GRCh38, 1-based): chr17:48,728,310, C>G on the plus strand (G>C on the coding strand, the complement: HOXB13 is on the minus strand). VCF-style: chr17-48728310-C-G. GRCh37 (hg19) VCF-style: chr17-46805672-C-G.
Other names: short protein forms S95T.
Identifiers: ClinVar variation 2772851 (VCV002772851.4), dbSNP rs2509515504, ClinGen allele CA400107771.

ClinVar aggregate classification (germline): Uncertain significance. Review status: criteria provided, multiple submitters, no conflicts (2 of 4 stars). 2 submissions from 2 submitters: Uncertain significance (2). Last evaluated 2025-04-28.

Conditions:
Hereditary cancer-predisposing syndrome. Also called: Hereditary neoplastic syndrome; Hereditary Cancer Syndrome; Neoplastic Syndromes, Hereditary; Tumor predisposition. Identifiers: Orphanet 140162, MedGen C0027672, MeSH D009386, MONDO:0015356.

Submissions (2):

Ambry Genetics
Classification: Uncertain significance for Hereditary cancer-predisposing syndrome. Last evaluated: 2025-04-28. Review status: criteria provided, single submitter. Criteria: Ambry Variant Classification Scheme 2023. Collection method: clinical testing. Allele origin: germline.
Comment: The p.S95T variant (also known as c.284G>C), located in coding exon 1 of the HOXB13 gene, results from a G to C substitution at nucleotide position 284. The serine at codon 95 is replaced by threonine, an amino acid with similar properties. This amino acid position is conserved. In addition, this alteration is predicted to be tolerated by in silico analysis. Based on the available evidence, the clinical significance of this variant remains unclear.

Labcorp Genetics (formerly Invitae), Labcorp
Classification: Uncertain significance. Last evaluated: 2023-10-30. Review status: criteria provided, single submitter. Criteria: Invitae Variant Classification Sherloc (09022015). Collection method: clinical testing. Allele origin: germline.
Comment: This sequence change replaces serine, which is neutral and polar, with threonine, which is neutral and polar, at codon 95 of the HOXB13 protein (p.Ser95Thr). This variant is not present in population databases (gnomAD no frequency). This variant has not been reported in the literature in individuals affected with HOXB13-related conditions. Advanced modeling of protein sequence and biophysical properties (such as structural, functional, and spatial information, amino acid conservation, physicochemical variation, residue mobility, and thermodynamic stability) performed at Invitae indicates that this missense variant is not expected to disrupt HOXB13 protein function with a negative predictive value of 80%. In summary, the available evidence is currently insufficient to determine the role of this variant in disease. Therefore, it has been classified as a Variant of Uncertain Significance.